The following is an entry in ClinVar:

NM_000540.3(RYR1):c.13072C>T (p.Leu4358Phe)

Gene: RYR1 (ryanodine receptor 1; plus strand). Cytogenetic location: 19q13.2.
Variant type: single nucleotide variant.
Coding change: c.13072C>T on transcript NM_000540.3 (MANE Select); coding-DNA position 13072, C replaced by T.
Protein change: p.Leu4358Phe; replaces leucine 4358 with phenylalanine.
Molecular consequence: missense variant.
Genome position (GRCh38, 1-based): chr19:38,565,406, C>T. VCF-style: chr19-38565406-C-T. GRCh37 (hg19) VCF-style: chr19-39056046-C-T.
Other names: c.13057C>T, p.Leu4353Phe (NM_001042723.2); short protein forms L4353F, L4358F.
Identifiers: ClinVar variation 3778394 (VCV003778394.7).

ClinVar aggregate classification (germline): Uncertain significance (1 of 4 stars; one submission).

gnomAD v4.1: 3 of 1,477,832 alleles (0.0002%); highest among the groups gnomAD compares: East Asian, 0.0029%; no homozygotes.

Submission:

CeGaT Center for Human Genetics Tuebingen
Classification: Uncertain significance. Last evaluated: 2025-03-01. Review status: criteria provided, single submitter. Criteria: CeGaT Center For Human Genetics Tuebingen Variant Classification Criteria Version 2. Collection method: clinical testing. Allele origin: germline. Affected: yes. Observed: 1 variant allele.
Comment: RYR1: PP3